The following is an entry in ClinVar:

ClinVar aggregate classification (germline): Conflicting classifications of pathogenicity. Review status: criteria provided, conflicting classifications (1 of 4 stars). 6 submissions from 5 submitters: Pathogenic (2); Likely pathogenic (1); Uncertain significance (1). 2 of the submissions do not count toward it. Last evaluated 2026-09-12.

Conditions:
EDNRB-related disorder. Also called: EDNRB-related condition; EDNRB-related disorders.
Hirschsprung disease, susceptibility to, 2. Identifiers: Orphanet 388, MedGen C1838564, MONDO:0010833, OMIM 600155.
Waardenburg syndrome type 4A (WS4A). Also called: WAARDENBURG SYNDROME WITH HIRSCHSPRUNG DISEASE, TYPE 4A. Identifiers: Orphanet 897, MedGen C1848519, MONDO:0010192, OMIM 277580.

Allele frequency attached by ClinVar (database versions not stated): gnomAD 0.00001 and 0.00003; TOPMed 0.00003.
gnomAD v4.1: 8 of 1,610,812 alleles (0.0005%); highest among the groups gnomAD compares: Non-Finnish European, 0.00068%; 1 homozygote.

Submissions (6):

GeneDx
Classification: Uncertain significance. Last evaluated: 2026-09-12. Review status: criteria provided, single submitter. Criteria: GeneDx Variant Classification Process June 2021. Collection method: clinical testing. Allele origin: germline.
Comment: Not observed at significant frequency in large population cohorts (gnomAD); In silico analysis supports that this missense variant has a deleterious effect on protein structure/function; This variant is associated with the following publications: (PMID: 31028937, 16618617, Kumari_2012_Article, 10964697, 8001158, 39903923, 38497103)

PreventionGenetics, part of Exact Sciences
Classification: Pathogenic for EDNRB-related condition. Last evaluated: 2025-07-25. Review status: criteria provided, single submitter. Criteria: ACMG Guidelines, 2015. Collection method: clinical testing. Allele origin: germline.
Comment: The EDNRB c.828G>T variant is predicted to result in the amino acid substitution p.Trp276Cys. This variant has been reported in the homozygous state and shown to co-segregate with disease in multiple individuals from three large Mennonite families with clinical features of autosomal recessive Waardenburg syndrome type 4A with or without Hirschprung disease (Puffenberger et al. 1994. PubMed ID: 8001158). In vitro studies show this variant results in a loss of protein function due to reduced cell surface expression (Puffenberger et al. 1994. PubMed ID: 8001158; Abe et al. 2000. PubMed ID: 10964697). This variant is commonly observed in Mennonite communities (Puffenberger et al. 1994. PubMed ID: 8001158; Table S3, Crowgey et al. 2019. PubMed ID: 31028937). This variant is not reported in gnomAD v2. However, in gnomAD v4 (available only on GRCh38), this variant is reported in 0.00068% of alleles in the European (non-Finnish) subpopulation, including 1 homozygous individual. Taken together, the p.Trp276Cys variant is interpreted as pathogenic for autosomal recessive EDNRB-related disorders.

Blueprint Genetics
Classification: Likely pathogenic for EDNRB-related disorders. Last evaluated: 2020-12-08. Review status: criteria provided, single submitter. Criteria: ACMG Guidelines, 2015. Collection method: clinical testing. Allele origin: germline. Affected: yes. Observed: 2 variant alleles.

Center for Human Genetics, Inc
Classification: Pathogenic for Waardenburg syndrome type 4A. Last evaluated: 2016-11-01. Review status: criteria provided, single submitter. Criteria: ACMG Guidelines, 2015. Collection method: clinical testing. Allele origin: germline. Affected: yes.

OMIM
Classification: risk factor for HIRSCHSPRUNG DISEASE, SUSCEPTIBILITY TO, 2. Last evaluated: 1994-12-30. Review status: no assertion criteria provided. Collection method: literature only. Allele origin: germline. Not counted in ClinVar's aggregate classification.

OMIM
Classification: Pathogenic for WAARDENBURG SYNDROME, TYPE 4A. Last evaluated: 1994-12-30. Review status: no assertion criteria provided. Collection method: literature only. Allele origin: germline. Not counted in ClinVar's aggregate classification.

Literature cited by the submitters: PubMed 8001158 (cited by OMIM).

NM_001122659.3(EDNRB):c.828G>T (p.Trp276Cys)

Genes: EDNRB (endothelin receptor type B; minus strand), EDNRB-AS1 (EDNRB antisense RNA 1; plus strand). Cytogenetic location: 13q22.3.
Variant type: single nucleotide variant.
Coding change: c.828G>T on transcript NM_001122659.3 (MANE Select); coding-DNA position 828, G replaced by T.
Protein change: p.Trp276Cys; replaces tryptophan 276 with cysteine.
Molecular consequence: missense variant.
Genome position (GRCh38, 1-based): chr13:77,901,181, C>A on the plus strand (G>T on the coding strand, the complement: EDNRB is on the minus strand). VCF-style: chr13-77901181-C-A. GRCh37 (hg19) VCF-style: chr13-78475316-C-A.
Other names: c.828G>T, p.Trp276Cys (NM_000115.5, NM_003991.4); c.1098G>T, p.Trp366Cys (NM_001201397.2); c.828G>T (NM_000115.4); short protein forms W276C, W366C.
Identifiers: ClinVar variation 16633 (VCV000016633.6), dbSNP rs104894387, ClinGen allele CA126743.